The following is an entry in ClinVar:

ClinVar aggregate classification (germline): Uncertain significance. Review status: criteria provided, multiple submitters, no conflicts (2 of 4 stars). 4 submissions from 4 submitters: Uncertain significance (4). Last evaluated 2024-07-09.

Conditions:
Autosomal recessive limb-girdle muscular dystrophy type 2J (LGMDR10). Also called: Limb-girdle muscular dystrophy, type 2J; MUSCULAR DYSTROPHY, LIMB-GIRDLE, AUTOSOMAL RECESSIVE 10. Identifiers: Orphanet 140922, MedGen C1837342, MONDO:0012127, OMIM 608807.
Dilated cardiomyopathy 1G (CMD1G). Identifiers: Orphanet 154, MedGen C1858763, MONDO:0011400, OMIM 604145.

Allele frequency attached by ClinVar (database versions not stated): gnomAD 0.00001; gnomAD exomes 0.00001 and 0.00002; TOPMed 0.00001; ExAC 0.00002.
gnomAD v4.1: 13 of 1,612,546 alleles (0.00081%); highest among the groups gnomAD compares: Middle Eastern, 0.016%; no homozygotes.

Submissions (4):

Revvity Omics, Revvity
Classification: Uncertain significance. Last evaluated: 2024-07-09. Review status: criteria provided, single submitter. Criteria: ACMG Guidelines, 2015. Collection method: clinical testing. Allele origin: germline.

CeGaT Center for Human Genetics Tuebingen
Classification: Uncertain significance. Last evaluated: 2022-03-01. Review status: criteria provided, single submitter. Criteria: CeGaT Center For Human Genetics Tuebingen Variant Classification Criteria Version 2. Collection method: clinical testing. Allele origin: germline. Affected: yes. Observed: 1 variant allele.
Comment: TTN: PM2, BP4

Eurofins Ntd Llc (ga)
Classification: Uncertain significance. Last evaluated: 2017-05-08. Review status: criteria provided, single submitter. Criteria: EGL Classification Definitions 2015. Collection method: clinical testing. Allele origin: germline. Observed: 1 variant allele, 1 heterozygote.

Labcorp Genetics (formerly Invitae), Labcorp
Classification: Uncertain significance for Dilated cardiomyopathy 1G; Autosomal recessive limb-girdle muscular dystrophy type 2J. Last evaluated: 2016-05-08. Review status: criteria provided, single submitter. Criteria: Invitae Variant Classification Sherloc (09022015). Collection method: clinical testing. Allele origin: germline.

NM_001267550.2(TTN):c.25036G>A (p.Ala8346Thr)

Gene: TTN (titin; minus strand). Cytogenetic location: 2q31.2.
Variant type: single nucleotide variant.
Coding change: c.25036G>A on transcript NM_001267550.2 (MANE Select); coding-DNA position 25036, G replaced by A.
Protein change: p.Ala8346Thr; replaces alanine 8346 with threonine.
Molecular consequence: missense variant. On other transcripts: intron variant (3).
Genome position (GRCh38, 1-based): chr2:178,717,970, C>T on the plus strand (G>A on the coding strand, the complement: TTN is on the minus strand). VCF-style: chr2-178717970-C-T. GRCh37 (hg19) VCF-style: chr2-179582697-C-T.
Other names: c.24085G>A, p.Ala8029Thr (NM_001256850.1); c.21304G>A, p.Ala7102Thr (NM_133378.4); c.13282+20112G>A (NM_003319.4); c.13858+20112G>A (NM_133437.4); c.13657+20112G>A (NM_133432.3); short protein forms A8346T, A7102T, A8029T.
Identifiers: ClinVar variation 404948 (VCV000404948.40), dbSNP rs755302381, ClinGen allele CA2000303.